The following is an entry in ClinVar:

NM_002240.5(KCNJ6):c.361A>G (p.Met121Val)

Genes: KCNJ6 (potassium inwardly rectifying channel subfamily J member 6; minus strand), KCNJ6-AS1 (KCNJ6 antisense RNA 1; plus strand). Cytogenetic location: 21q22.13.
Variant type: single nucleotide variant.
Coding change: c.361A>G on transcript NM_002240.5 (MANE Select); coding-DNA position 361, A replaced by G.
Protein change: p.Met121Val; replaces methionine 121 with valine.
Molecular consequence: missense variant. On other transcripts: non-coding transcript variant (1).
Genome position (GRCh38, 1-based): chr21:37,714,796, T>C on the plus strand (A>G on the coding strand, the complement: KCNJ6 is on the minus strand). VCF-style: chr21-37714796-T-C. GRCh37 (hg19) VCF-style: chr21-39087099-T-C.
Other names: short protein forms M121V.
Identifiers: ClinVar variation 4994627 (VCV004994627.1).

ClinVar aggregate classification (germline): Uncertain significance (1 of 4 stars; one submission).

Conditions:
KCNJ6-related disorder. Also called: KCNJ6-related condition.

Submission:

PreventionGenetics, part of Exact Sciences
Classification: Uncertain significance for KCNJ6-related condition. Last evaluated: 2026-08-21. Review status: criteria provided, single submitter. Criteria: ACMG Guidelines, 2015. Collection method: clinical testing. Allele origin: germline.
Comment: The KCNJ6 c.361A>G variant is predicted to result in the amino acid substitution p.Met121Val. To our knowledge, this variant has not been reported in the literature or in a large population database (gnomAD), indicating this variant is rare. At this time, the clinical significance of this variant is uncertain due to the absence of conclusive functional and genetic evidence.